The following is an entry in ClinVar:

NM_000396.4(CTSK):c.791A>G (p.Tyr264Cys)

Gene: CTSK (cathepsin K; minus strand). Cytogenetic location: 1q21.3.
Variant type: single nucleotide variant.
Coding change: c.791A>G on transcript NM_000396.4 (MANE Select); coding-DNA position 791, A replaced by G.
Protein change: p.Tyr264Cys; replaces tyrosine 264 with cysteine.
Molecular consequence: missense variant.
Genome position (GRCh38, 1-based): chr1:150,799,267, T>C on the plus strand (A>G on the coding strand, the complement: CTSK is on the minus strand). VCF-style: chr1-150799267-T-C. GRCh37 (hg19) VCF-style: chr1-150771743-T-C.
Other names: short protein forms Y264C.
Identifiers: ClinVar variation 4881746 (VCV004881746.2).
Genomic context (GRCh38, chr1:150,799,267, plus strand): 5'-CCATATCCCACTGCCAAAACTGCATGGTTCAGATTATCGCTATTGCAGCTTTCATCATAA[T>C]ACACACCTAGAATACAAACTACCAGCGTGAGGCTCTATGCAATCCAAGGGTCACCCTGTG-3'
Protein context (NP_000387.1, residues 254-274): TSFQFYSKGV[Tyr264Cys]YDESCNSDNL

ClinVar aggregate classification (germline): Likely pathogenic (1 of 4 stars; one submission).

Conditions:
Pyknodysostosis. Also called: Pycnodysostosis. Identifiers: Orphanet 763, MedGen C0238402, MONDO:0009940, OMIM 265800.

Submission:

Dasa
Classification: Likely pathogenic for pycnodysostosis. Last evaluated: 2026-04-18. Review status: criteria provided, single submitter. Criteria: DASA Assertion Criteria. Collection method: clinical testing. Allele origin: germline.
Comment: NM_000396.4(CTSK):c.791A>G (p.Tyr264Cys) is a missense variant that results in the substitution of tyrosine with cysteine. This variant is absent from population databases. Computational evidence supports a deleterious effect. Based on the currently available evidence, this variant is classified as likely pathogenic.